The following is an entry in ClinVar:

NM_030912.3(TRIM8):c.742C>G (p.Arg248Gly)

Gene: TRIM8 (tripartite motif containing 8; plus strand). Cytogenetic location: 10q24.32.
Variant type: single nucleotide variant.
Coding change: c.742C>G on transcript NM_030912.3 (MANE Select); coding-DNA position 742, C replaced by G.
Protein change: p.Arg248Gly; replaces arginine 248 with glycine.
Molecular consequence: missense variant. On other transcripts: non-coding transcript variant (1).
Genome position (GRCh38, 1-based): chr10:102,655,155, C>G. VCF-style: chr10-102655155-C-G. GRCh37 (hg19) VCF-style: chr10-104414912-C-G.
Other names: c.646C>G, p.Arg216Gly (NM_001345950.1); short protein forms R216G, R248G.
Identifiers: ClinVar variation 2981963 (VCV002981963.3), dbSNP rs1195880693, ClinGen allele CA377929100.

ClinVar aggregate classification (germline): Uncertain significance (1 of 4 stars; one submission).

gnomAD v4.1: 1 of 1,612,120 alleles (0.000062%); highest among the groups gnomAD compares: Admixed American, 0.0017%; no homozygotes.

Submission:

Labcorp Genetics (formerly Invitae), Labcorp
Classification: Uncertain significance. Last evaluated: 2023-10-05. Review status: criteria provided, single submitter. Criteria: Invitae Variant Classification Sherloc (09022015). Collection method: clinical testing. Allele origin: germline.
Comment: This sequence change replaces arginine, which is basic and polar, with glycine, which is neutral and non-polar, at codon 248 of the TRIM8 protein (p.Arg248Gly). This variant is present in population databases (no rsID available, gnomAD 0.003%). This variant has not been reported in the literature in individuals affected with TRIM8-related conditions. Algorithms developed to predict the effect of missense changes on protein structure and function output the following: SIFT: "Not Available"; PolyPhen-2: "Benign"; Align-GVGD: "Not Available". The glycine amino acid residue is found in multiple mammalian species, which suggests that this missense change does not adversely affect protein function. In summary, the available evidence is currently insufficient to determine the role of this variant in disease. Therefore, it has been classified as a Variant of Uncertain Significance.